The following is an entry in ClinVar:

ClinVar aggregate classification (germline): Uncertain significance. Review status: criteria provided, multiple submitters, no conflicts (2 of 4 stars). 2 submissions from 2 submitters: Uncertain significance (2). Last evaluated 2026-02-17.

Allele frequency attached by ClinVar (database versions not stated): TOPMed below 0.00001; gnomAD 0.00001; gnomAD exomes 0.00001.
gnomAD v4.1: 19 of 1,613,592 alleles (0.0012%); highest among the groups gnomAD compares: South Asian, 0.0022%; no homozygotes.

Submissions (2):

Ambry Genetics
Classification: Uncertain significance. Last evaluated: 2026-02-17. Review status: criteria provided, single submitter. Criteria: Ambry Variant Classification Scheme 2023. Collection method: clinical testing. Allele origin: germline.
Comment: The c.391A>G (p.I131V) alteration is located in exon 4 (coding exon 3) of the KARS gene. This alteration results from a A to G substitution at nucleotide position 391, causing the isoleucine (I) at amino acid position 131 to be replaced by a valine (V). Based on data from gnomAD, the G allele has an overall frequency of 0.001% (2/251492) total alleles studied. The highest observed frequency was 0.002% (2/113766) of European (non-Finnish) alleles. Based on insufficient or conflicting evidence, the clinical significance of this alteration remains unclear.

CeGaT Center for Human Genetics Tuebingen
Classification: Uncertain significance. Last evaluated: 2023-04-01. Review status: criteria provided, single submitter. Criteria: CeGaT Center For Human Genetics Tuebingen Variant Classification Criteria Version 2. Collection method: clinical testing. Allele origin: germline. Affected: yes. Observed: 1 variant allele.
Comment: KARS1: PM2, BP4

NM_005548.3(KARS1):c.307A>G (p.Ile103Val)

Gene: KARS1 (lysyl-tRNA synthetase 1; minus strand). Cytogenetic location: 16q23.1.
Variant type: single nucleotide variant.
Coding change: c.307A>G on transcript NM_005548.3 (MANE Select); coding-DNA position 307, A replaced by G.
Protein change: p.Ile103Val; replaces isoleucine 103 with valine.
Molecular consequence: missense variant. On other transcripts: 5 prime UTR variant (1).
Genome position (GRCh38, 1-based): chr16:75,640,265, T>C on the plus strand (A>G on the coding strand, the complement: KARS1 is on the minus strand). VCF-style: chr16-75640265-T-C. GRCh37 (hg19) VCF-style: chr16-75674163-T-C.
Other names: c.391A>G, p.Ile131Val (NM_001130089.2); c.-162A>G (NM_001378148.1); short protein forms I103V, I131V.
Identifiers: ClinVar variation 2570950 (VCV002570950.28), dbSNP rs1466102453, ClinGen allele CA396815778.